The following is an entry in ClinVar:

NM_001378120.1(MBD5):c.1962C>A (p.Asp654Glu)

Gene: MBD5 (methyl-CpG binding domain protein 5; plus strand). Cytogenetic location: 2q23.1.
Variant type: single nucleotide variant.
Coding change: c.1962C>A on transcript NM_001378120.1 (MANE Select); coding-DNA position 1962, C replaced by A.
Protein change: p.Asp654Glu; replaces aspartic acid 654 with glutamic acid.
Molecular consequence: missense variant.
Genome position (GRCh38, 1-based): chr2:148,469,905, C>A. VCF-style: chr2-148469905-C-A. GRCh37 (hg19) VCF-style: chr2-149227474-C-A.
Other names: NM_018328.4:c.1962C>A(p.Asp654Glu); c.1962C>A, p.Asp654Glu (NM_018328.5); short protein forms D654E.
Identifiers: ClinVar variation 549477 (VCV000549477.9), dbSNP rs139953766, ClinGen allele CA57579250.

ClinVar aggregate classification (germline): Uncertain significance. Review status: criteria provided, multiple submitters, no conflicts (2 of 4 stars). 2 submissions from 2 submitters: Uncertain significance (2). Last evaluated 2024-02-23.

Conditions:
Intellectual developmental disorder, autosomal dominant 1. Also called: Intellectual disability, autosomal dominant 1; MBD5 Haploinsufficiency. Identifiers: Orphanet 228402, MedGen C1969562, MONDO:0007974, OMIM 156200.

gnomAD v4.1: 2 of 1,613,822 alleles (0.00012%); highest among the groups gnomAD compares: Non-Finnish European, 0.000085%; no homozygotes.

Submissions (2):

Labcorp Genetics (formerly Invitae), Labcorp
Classification: Uncertain significance for Intellectual developmental disorder, autosomal dominant 1. Last evaluated: 2024-02-23. Review status: criteria provided, single submitter. Criteria: Invitae Variant Classification Sherloc (09022015). Collection method: clinical testing. Allele origin: germline.
Comment: This sequence change replaces aspartic acid, which is acidic and polar, with glutamic acid, which is acidic and polar, at codon 654 of the MBD5 protein (p.Asp654Glu). This variant is not present in population databases (gnomAD no frequency). This missense change has been observed in individual(s) with intellectual disability (PMID: 17847001). ClinVar contains an entry for this variant (Variation ID: 549477). Advanced modeling of protein sequence and biophysical properties (such as structural, functional, and spatial information, amino acid conservation, physicochemical variation, residue mobility, and thermodynamic stability) performed at Invitae indicates that this missense variant is not expected to disrupt MBD5 protein function with a negative predictive value of 80%. In summary, the available evidence is currently insufficient to determine the role of this variant in disease. Therefore, it has been classified as a Variant of Uncertain Significance.

SIB Swiss Institute of Bioinformatics
Classification: Uncertain significance for Intellectual developmental disorder, autosomal dominant 1. Last evaluated: 2018-04-16. Review status: criteria provided, single submitter. Criteria: ACMG Guidelines, 2015. Collection method: curation. Allele origin: germline.
Comment: This variant is interpreted as a Uncertain Significance, for Mental retardation, autosomal dominant 1, Autosomal Dominant inheritance. The following ACMG Tag(s) were applied: PM2 => Absent from controls (or at extremely low frequency if recessive) in Exome Sequencing Project, 1000 Genomes Project, or Exome Aggregation Consortium.

Literature cited by the submitters: PubMed 17847001 (cited by Labcorp Genetics (formerly Invitae), Labcorp and SIB Swiss Institute of Bioinformatics).